The following is an entry in ClinVar:

ClinVar aggregate classification (germline): Uncertain significance (1 of 4 stars; one submission).

Conditions:
FGFR3-related chondrodysplasia. Identifiers: Orphanet 93420, MedGen C5681604, MONDO:0019685.

Submission:

Genomenon, Inc
Classification: Uncertain significance for FGFR3-related chondrodysplasia. Last evaluated: 2026-06-23. Review status: criteria provided, single submitter. Criteria: Genomenon Sequence Variant Interpretation Standards - Updated. Collection method: curation. Allele origin: germline. Affected: no.
Comment: FGFR3 p.His643Asp (c.1927C>G) is a missense variant that changes the amino acid at codon 643 from Histidine to Aspartic acid. To our knowledge, this variant has not been reported in patients affected with an FGFR3-related disorder in the published literature. Functional studies have been reported (PMID:26992226). This variant is located in a mutational hotspot and/or important functional domain. It is absent or not present at a significant frequency in gnomAD. In silico models predict that this variant is possibly or probably damaging. In conclusion, we classify FGFR3 p.His643Asp (c.1927C>G) as a variant of uncertain significance.

Literature cited by the submitters: PubMed 26992226.

NM_000142.5(FGFR3):c.1927C>G (p.His643Asp)

Gene: FGFR3 (fibroblast growth factor receptor 3; plus strand). Cytogenetic location: 4p16.3.
Variant type: single nucleotide variant.
Coding change: c.1927C>G on transcript NM_000142.5 (MANE Select); coding-DNA position 1927, C replaced by G.
Protein change: p.His643Asp; replaces histidine 643 with aspartic acid.
Molecular consequence: missense variant. On other transcripts: non-coding transcript variant (1).
Genome position (GRCh38, 1-based): chr4:1,806,141, C>G. VCF-style: chr4-1806141-C-G. GRCh37 (hg19) VCF-style: chr4-1807868-C-G.
Other names: c.1930C>G, p.His644Asp (NM_001354810.2, NM_001354809.2); c.1591C>G, p.His531Asp (NM_022965.4); c.1933C>G, p.His645Asp (NM_001163213.2); short protein forms H531D, H643D, H644D, H645D.
Identifiers: ClinVar variation 4857817 (VCV004857817.1).
Genomic context (GRCh38, chr4:1,806,141, plus strand): 5'-GTGCTGGTGACCGAGGACAACGTGATGAAGATCGCAGACTTCGGGCTGGCCCGGGACGTG[C>G]ACAACCTCGACTACTACAAGAAGACGACCAACGTGAGCCCGGCCCTGGGGTGCGGGGGTG-3'
Protein context (NP_000133.1, residues 633-653): IADFGLARDV[His643Asp]NLDYYKKTTN